The following is an entry in ClinVar:

NM_020745.4(AARS2):c.1533C>T (p.Asp511=)

Gene: AARS2 (alanyl-tRNA synthetase 2, mitochondrial; minus strand). Cytogenetic location: 6p21.1.
Variant type: single nucleotide variant.
Coding change: c.1533C>T on transcript NM_020745.4 (MANE Select); coding-DNA position 1533, C replaced by T.
Protein change: p.Asp511=; no amino-acid change (aspartic acid 511 retained).
Molecular consequence: synonymous variant.
Genome position (GRCh38, 1-based): chr6:44,305,100, G>A on the plus strand (C>T on the coding strand, the complement: AARS2 is on the minus strand). VCF-style: chr6-44305100-G-A. GRCh37 (hg19) VCF-style: chr6-44272837-G-A.
Identifiers: ClinVar variation 908245 (VCV000908245.30), dbSNP rs372094957, ClinGen allele CA3834309.

ClinVar aggregate classification (germline): Conflicting classifications of pathogenicity. Review status: criteria provided, conflicting classifications (1 of 4 stars). 4 submissions from 4 submitters: Uncertain significance (1); Likely benign (3). Last evaluated 2025-04-09.

Conditions:
Combined oxidative phosphorylation defect type 8. Also called: CARDIOMYOPATHY, HYPERTROPHIC MITOCHONDRIAL, FATAL INFANTILE. Identifiers: Orphanet 319504, MedGen C4518839, MONDO:0013570, OMIM 614096.

Allele frequency attached by ClinVar (database versions not stated): gnomAD exomes 0.00004 and 0.00010; gnomAD 0.00005 and 0.00006; TOPMed 0.00005; ExAC 0.00007; ESP Exome Variant Server 0.00008.
gnomAD v4.1: 65 of 1,613,960 alleles (0.004%); highest among the groups gnomAD compares: East Asian, 0.038%; no homozygotes.

Submissions (4):

Molecular Diagnostic Laboratory for Inherited Cardiovascular Disease, Montreal Heart Institute
Classification: Likely benign. Last evaluated: 2025-04-09. Review status: criteria provided, single submitter. Criteria: ACMG Guidelines, 2015. Collection method: clinical testing. Allele origin: germline. Affected: no.
Comment: BP6;BP7

CeGaT Center for Human Genetics Tuebingen
Classification: Likely benign. Last evaluated: 2024-06-01. Review status: criteria provided, single submitter. Criteria: CeGaT Center For Human Genetics Tuebingen Variant Classification Criteria Version 2. Collection method: clinical testing. Allele origin: germline. Affected: yes. Observed: 1 variant allele.
Comment: AARS2: BP4, BP7

Labcorp Genetics (formerly Invitae), Labcorp
Classification: Likely benign. Last evaluated: 2022-10-05. Review status: criteria provided, single submitter. Criteria: Invitae Variant Classification Sherloc (09022015). Collection method: clinical testing. Allele origin: germline.

Illumina Laboratory Services, Illumina
Classification: Uncertain significance for Combined oxidative phosphorylation defect type 8. Last evaluated: 2018-01-13. Review status: criteria provided, single submitter. Criteria: ICSL Variant Classification Criteria 13 December 2019. Collection method: clinical testing. Allele origin: germline.